The following is an entry in ClinVar:

NM_033109.5(PNPT1):c.517G>A (p.Ala173Thr)

Gene: PNPT1 (polyribonucleotide nucleotidyltransferase 1; minus strand). Cytogenetic location: 2p16.1.
Variant type: single nucleotide variant.
Coding change: c.517G>A on transcript NM_033109.5 (MANE Select); coding-DNA position 517, G replaced by A.
Protein change: p.Ala173Thr; replaces alanine 173 with threonine.
Molecular consequence: missense variant.
Genome position (GRCh38, 1-based): chr2:55,680,855, C>T on the plus strand (G>A on the coding strand, the complement: PNPT1 is on the minus strand). VCF-style: chr2-55680855-C-T. GRCh37 (hg19) VCF-style: chr2-55907990-C-T.
Other names: short protein forms A173T.
Identifiers: ClinVar variation 427125 (VCV000427125.6), dbSNP rs774425075, ClinGen allele CA1668443.

ClinVar aggregate classification (germline): Conflicting classifications of pathogenicity. Review status: criteria provided, conflicting classifications (1 of 4 stars). 3 submissions from 3 submitters: Likely pathogenic (1); Uncertain significance (2). Last evaluated 2024-03-26.

Conditions:
Combined oxidative phosphorylation defect type 13. Also called: Combined oxidative phosphorylation deficiency 13. Identifiers: Orphanet 319514, MedGen C4706283, MONDO:0013977, OMIM 614932.

Allele frequency attached by ClinVar (database versions not stated): gnomAD 0.00001 and 0.00002; TOPMed 0.00004; gnomAD exomes 0.00005 and 0.00014; ExAC 0.00013.
gnomAD v4.1: 78 of 1,613,414 alleles (0.0048%); highest among the groups gnomAD compares: South Asian, 0.065%; no homozygotes.

Submissions (3):

Genomic Medicine Center of Excellence, King Faisal Specialist Hospital and Research Centre
Classification: Uncertain significance for Combined oxidative phosphorylation defect type 13. Last evaluated: 2024-03-26. Review status: criteria provided, single submitter. Criteria: ACMG Guidelines, 2015. Collection method: clinical testing. Allele origin: germline.

Labcorp Genetics (formerly Invitae), Labcorp
Classification: Uncertain significance. Last evaluated: 2022-07-06. Review status: criteria provided, single submitter. Criteria: Invitae Variant Classification Sherloc (09022015). Collection method: clinical testing. Allele origin: germline.
Comment: This sequence change replaces alanine, which is neutral and non-polar, with threonine, which is neutral and polar, at codon 173 of the PNPT1 protein (p.Ala173Thr). This variant also falls at the last nucleotide of exon 6, which is part of the consensus splice site for this exon. This variant is present in population databases (rs774425075, gnomAD 0.09%). This variant has not been reported in the literature in individuals affected with PNPT1-related conditions. ClinVar contains an entry for this variant (Variation ID: 427125). Algorithms developed to predict the effect of missense changes on protein structure and function (SIFT, PolyPhen-2, Align-GVGD) all suggest that this variant is likely to be disruptive. Variants that disrupt the consensus splice site are a relatively common cause of aberrant splicing (PMID: 17576681, 9536098). Algorithms developed to predict the effect of sequence changes on RNA splicing suggest that this variant may disrupt the consensus splice site. In summary, the available evidence is currently insufficient to determine the role of this variant in disease. Therefore, it has been classified as a Variant of Uncertain Significance.

GeneDx
Classification: Likely pathogenic. Last evaluated: 2015-05-27. Review status: criteria provided, single submitter. Criteria: GeneDx Variant Classification (06012015). Collection method: clinical testing. Allele origin: germline. Affected: yes.
Comment: The A173T variant in the PNPT1 gene has not been published as a pathogenic variant, nor has it been reported as a benign polymorphism to our knowledge. The A173T variant was not observed in approximately 6500 individuals of European and African American ancestry in the NHLBI Exome Sequencing Project, indicating it is not a common benign variant in these populations. The A173T variant is a non-conservative amino acid substitution, which is likely to impact secondary protein structure as these residues differ in polarity, charge, size and/or other properties. This substitution occurs at a position that is conserved across species. In silico analysis predicts this variant is probably damaging to the protein structure/function. The A173T variant is a strong candidate for a disease-causing variant, however the possibility it may be a rare benign variant cannot be excluded

Literature cited by the submitters: PubMed 17576681 (cited by Labcorp Genetics (formerly Invitae), Labcorp); PubMed 9536098 (cited by Labcorp Genetics (formerly Invitae), Labcorp).